The following is an entry in ClinVar:

ClinVar aggregate classification (germline): Conflicting classifications of pathogenicity. Review status: criteria provided, conflicting classifications (1 of 4 stars). 2 submissions from 2 submitters: Uncertain significance (1); Likely benign (1). Last evaluated 2025-12-15.

Conditions:
Congenital contractural arachnodactyly (CCA). Also called: BEALS SYNDROME; Beals-Hecht syndrome; Arthrogryposis, distal, type 9. Identifiers: Orphanet 115, MedGen C0220668, MONDO:0007363, OMIM 121050.
Familial thoracic aortic aneurysm and aortic dissection (TAAD). Also called: Thoracic aortic aneurysms and dissections. Identifiers: Orphanet 91387, MedGen C4707243, MONDO:0019625.

Allele frequency attached by ClinVar (database versions not stated): ExAC 0.00001; gnomAD exomes 0.00001; TOPMed 0.00001; gnomAD 0.00002.
gnomAD v4.1: 14 of 1,613,912 alleles (0.00087%); highest among the groups gnomAD compares: East Asian, 0.0089%; no homozygotes.

Submissions (2):

Labcorp Genetics (formerly Invitae), Labcorp
Classification: Likely benign for Congenital contractural arachnodactyly. Last evaluated: 2025-12-15. Review status: criteria provided, single submitter. Criteria: Invitae Variant Classification Sherloc (09022015). Collection method: clinical testing. Allele origin: germline.

Ambry Genetics
Classification: Uncertain significance for Familial thoracic aortic aneurysm and aortic dissection. Last evaluated: 2020-11-30. Review status: criteria provided, single submitter. Criteria: Ambry Variant Classification Scheme 2023. Collection method: clinical testing. Allele origin: germline.
Comment: The p.R717H variant (also known as c.2150G>A), located in coding exon 16 of the FBN2 gene, results from a G to A substitution at nucleotide position 2150. The arginine at codon 717 is replaced by histidine, an amino acid with highly similar properties, and is located in the TGFBP #02 domain. This amino acid position is well conserved in available vertebrate species. In addition, this alteration is predicted to be deleterious by in silico analysis. Since supporting evidence is limited at this time, the clinical significance of this alteration remains unclear.

NM_001999.4(FBN2):c.2150G>A (p.Arg717His)

Gene: FBN2 (fibrillin 2; minus strand). Cytogenetic location: 5q23.3.
Variant type: single nucleotide variant.
Coding change: c.2150G>A on transcript NM_001999.4 (MANE Select); coding-DNA position 2150, G replaced by A.
Protein change: p.Arg717His; replaces arginine 717 with histidine.
Molecular consequence: missense variant.
Genome position (GRCh38, 1-based): chr5:128,369,280, C>T on the plus strand (G>A on the coding strand, the complement: FBN2 is on the minus strand). VCF-style: chr5-128369280-C-T. GRCh37 (hg19) VCF-style: chr5-127704973-C-T.
Other names: short protein forms R717H.
Identifiers: ClinVar variation 1786744 (VCV001786744.5), dbSNP rs773896695, ClinGen allele CA3395622.
Genomic context (GRCh38, chr5:128,369,280, plus strand): 5'-AAACCATAGTCTGGATTGGCACAGCAGCATTCGGACTTGGTCACTGCACCGGGGAAAGGA[C>T]GCACACACACTCCTTTCTTGATTCCTCCATAGCAGGTACTGCGCATGTGAGTATCTAAAG-3'
Protein context (NP_001990.2, residues 707-727): YGGIKKGVCV[Arg717His]PFPGAVTKSE